The following is an entry in ClinVar:

NM_001098484.3(SLC4A4):c.1323G>A (p.Arg441=)

Gene: SLC4A4 (solute carrier family 4 member 4; plus strand). Cytogenetic location: 4q13.3.
Variant type: single nucleotide variant.
Coding change: c.1323G>A on transcript NM_001098484.3 (MANE Select); coding-DNA position 1323, G replaced by A.
Protein change: p.Arg441=; no amino-acid change (arginine 441 retained).
Molecular consequence: synonymous variant.
Genome position (GRCh38, 1-based): chr4:71,453,495, G>A. VCF-style: chr4-71453495-G-A. GRCh37 (hg19) VCF-style: chr4-72319212-G-A.
Other names: c.1323G>A, p.Arg441= (NM_001134742.2); c.1191G>A, p.Arg397= (NM_003759.4).
Identifiers: ClinVar variation 904401 (VCV000904401.8), dbSNP rs200226048, ClinGen allele CA2954798.

ClinVar aggregate classification (germline): Conflicting classifications of pathogenicity. Review status: criteria provided, conflicting classifications (1 of 4 stars). 4 submissions from 4 submitters: Uncertain significance (3); Likely benign (1). Last evaluated 2025-01-15.

Conditions:
Inborn genetic diseases. Identifiers: MedGen C0950123, MeSH D030342.
Autosomal recessive proximal renal tubular acidosis (PRTAO). Also called: RENAL TUBULAR ACIDOSIS, PROXIMAL, WITH OCULAR ABNORMALITIES AND MENTAL RETARDATION; PROXIMAL RENAL TUBULAR ACIDOSIS-OCULAR ANOMALY SYNDROME; RENAL TUBULAR ACIDOSIS, PROXIMAL, WITH OCULAR ABNORMALITIES AND IMPAIRED INTELLECTUAL DEVELOPMENT; RTA, PROXIMAL, AUTOSOMAL RECESSIVE. Identifiers: Orphanet 93607, MedGen C1970309, MONDO:0011422, OMIM 604278.

Allele frequency attached by ClinVar (database versions not stated): ExAC 0.00021; gnomAD exomes 0.00024; TOPMed 0.00026; gnomAD 0.00030 and 0.00031; ESP Exome Variant Server 0.00038.
gnomAD v4.1: 678 of 1,613,566 alleles (0.042%); highest among the groups gnomAD compares: Non-Finnish European, 0.055%; no homozygotes.

Submissions (4):

Ambry Genetics
Classification: Likely benign for Inborn genetic diseases. Last evaluated: 2025-01-15. Review status: criteria provided, single submitter. Criteria: Ambry Variant Classification Scheme 2023. Collection method: clinical testing. Allele origin: germline.

Fulgent Genetics
Classification: Uncertain significance for Autosomal recessive proximal renal tubular acidosis. Last evaluated: 2023-12-26. Review status: criteria provided, single submitter. Criteria: ACMG Guidelines, 2015. Collection method: clinical testing. Allele origin: germline.

Labcorp Genetics (formerly Invitae), Labcorp
Classification: Uncertain significance. Last evaluated: 2022-07-15. Review status: criteria provided, single submitter. Criteria: Invitae Variant Classification Sherloc (09022015). Collection method: clinical testing. Allele origin: germline.
Comment: This sequence change affects codon 397 of the SLC4A4 mRNA. It is a 'silent' change, meaning that it does not change the encoded amino acid sequence of the SLC4A4 protein. It affects a nucleotide within the consensus splice site. This variant is present in population databases (rs200226048, gnomAD 0.05%). This variant has not been reported in the literature in individuals affected with SLC4A4-related conditions. ClinVar contains an entry for this variant (Variation ID: 904401). Algorithms developed to predict the effect of sequence changes on RNA splicing suggest that this variant is not likely to affect RNA splicing. In summary, the available evidence is currently insufficient to determine the role of this variant in disease. Therefore, it has been classified as a Variant of Uncertain Significance.

Illumina Laboratory Services, Illumina
Classification: Uncertain significance for Autosomal recessive proximal renal tubular acidosis. Last evaluated: 2018-01-12. Review status: criteria provided, single submitter. Criteria: ICSL Variant Classification Criteria 13 December 2019. Collection method: clinical testing. Allele origin: germline.